The following is an entry in ClinVar:

ClinVar aggregate classification (germline): Uncertain significance. Review status: criteria provided, multiple submitters, no conflicts (2 of 4 stars). 3 submissions from 3 submitters: Uncertain significance (3). Last evaluated 2025-05-01.

Conditions:
Progressive myoclonic epilepsy. Also called: Myoclonus epilepsy; Progressive myoclonus epilepsy; Familial progressive myoclonic epilepsy; Myoclonic Epilepsies, Progressive. Identifiers: Orphanet 308, Orphanet 98261, MedGen C0751778, MONDO:0020074.
Inborn genetic diseases. Identifiers: MedGen C0950123, MeSH D030342.

Allele frequency attached by ClinVar (database versions not stated): gnomAD exomes below 0.00001 and 0.00002; ExAC 0.00004; TOPMed 0.00008; gnomAD 0.00011 and 0.00012.
gnomAD v4.1: 21 of 1,613,976 alleles (0.0013%); highest among the groups gnomAD compares: African/African-American, 0.028%; no homozygotes.

Submissions (3):

GeneDx
Classification: Uncertain significance. Last evaluated: 2025-05-01. Review status: criteria provided, single submitter. Criteria: GeneDx Variant Classification Process June 2021. Collection method: clinical testing. Allele origin: germline.
Comment: In silico analysis indicates that this missense variant does not alter protein structure/function; Has not been previously published as pathogenic or benign to our knowledge

Ambry Genetics
Classification: Uncertain significance for Inborn genetic diseases. Last evaluated: 2025-01-16. Review status: criteria provided, single submitter. Criteria: Ambry Variant Classification Scheme 2023. Collection method: clinical testing. Allele origin: germline.

Labcorp Genetics (formerly Invitae), Labcorp
Classification: Uncertain significance for Progressive myoclonic epilepsy. Last evaluated: 2021-12-19. Review status: criteria provided, single submitter. Criteria: Invitae Variant Classification Sherloc (09022015). Collection method: clinical testing. Allele origin: germline.
Comment: This sequence change replaces lysine, which is basic and polar, with asparagine, which is neutral and polar, at codon 184 of the GOSR2 protein (p.Lys184Asn). This variant is present in population databases (rs760846460, gnomAD 0.04%). This variant has not been reported in the literature in individuals affected with GOSR2-related conditions. ClinVar contains an entry for this variant (Variation ID: 1056576). Algorithms developed to predict the effect of missense changes on protein structure and function (SIFT, PolyPhen-2, Align-GVGD) all suggest that this variant is likely to be disruptive. In summary, the available evidence is currently insufficient to determine the role of this variant in disease. Therefore, it has been classified as a Variant of Uncertain Significance.

NM_004287.5(GOSR2):c.552G>T (p.Lys184Asn)

Genes: LRRC37A2 (leucine rich repeat containing 37 member A2), GOSR2 (golgi SNAP receptor complex member 2; plus strand). Cytogenetic location: 17q21.32.
Variant type: single nucleotide variant.
Coding change: c.552G>T on transcript NM_004287.5 (MANE Select); coding-DNA position 552, G replaced by T.
Protein change: p.Lys184Asn; replaces lysine 184 with asparagine.
Molecular consequence: missense variant. On other transcripts: non-coding transcript variant (3).
Genome position (GRCh38, 1-based): chr17:46,938,673, G>T. VCF-style: chr17-46938673-G-T. GRCh37 (hg19) VCF-style: chr17-45016039-G-T.
Other names: c.552G>T, p.Lys184Asn (NM_001321133.2, NM_054022.4); c.357G>T, p.Lys119Asn (NM_001321134.2); c.411G>T, p.Lys137Asn (NM_001330252.2); c.549G>T, p.Lys183Asn (NM_001353114.2); c.408G>T, p.Lys136Asn (NM_001353115.2, NM_001353116.2); c.498G>T, p.Lys166Asn (NM_001363851.2); c.552G>T (NM_004287.3); short protein forms K119N, K136N, K137N, K166N, K183N, K184N.
Identifiers: ClinVar variation 1056576 (VCV001056576.9), dbSNP rs760846460, ClinGen allele CA8621354.